The following is an entry in ClinVar:

NM_000264.5(PTCH1):c.2869C>G (p.Pro957Ala)

Gene: PTCH1 (patched 1; minus strand). Cytogenetic location: 9q22.32.
Variant type: single nucleotide variant.
Coding change: c.2869C>G on transcript NM_000264.5 (MANE Select); coding-DNA position 2869, C replaced by G.
Protein change: p.Pro957Ala; replaces proline 957 with alanine.
Molecular consequence: missense variant. On other transcripts: non-coding transcript variant (1).
Genome position (GRCh38, 1-based): chr9:95,459,618, G>C on the plus strand (C>G on the coding strand, the complement: PTCH1 is on the minus strand). VCF-style: chr9-95459618-G-C. GRCh37 (hg19) VCF-style: chr9-98221900-G-C.
Other names: c.2671C>G, p.Pro891Ala (NM_001083602.3); c.2866C>G, p.Pro956Ala (NM_001083603.3); c.2416C>G, p.Pro806Ala (NM_001083604.3, NM_001083605.3, NM_001083606.3 and 1 more transcripts); c.2713C>G, p.Pro905Ala (NM_001354918.2); c.2869C>G (NM_000264.3); short protein forms P891A, P806A, P905A, P956A, P957A.
Identifiers: ClinVar variation 1428147 (VCV001428147.7), dbSNP rs1839275609, ClinGen allele CA374112902.

ClinVar aggregate classification (germline): Uncertain significance. Review status: criteria provided, multiple submitters, no conflicts (2 of 4 stars). 2 submissions from 2 submitters: Uncertain significance (2). Last evaluated 2025-09-28.

Conditions:
Gorlin syndrome. Also called: Nevoid Basal Cell Carcinoma Syndrome; Basal cell nevus syndrome. Identifiers: Orphanet 377, MedGen C0004779, MONDO:0007187.
Hereditary cancer-predisposing syndrome. Also called: Hereditary neoplastic syndrome; Tumor predisposition; Hereditary Cancer Syndrome; Neoplastic Syndromes, Hereditary. Identifiers: Orphanet 140162, MedGen C0027672, MeSH D009386, MONDO:0015356.

Submissions (2):

Ambry Genetics
Classification: Uncertain significance for Hereditary cancer-predisposing syndrome. Last evaluated: 2025-09-28. Review status: criteria provided, single submitter. Criteria: Ambry Variant Classification Scheme 2023. Collection method: clinical testing. Allele origin: germline.
Comment: The p.P957A variant (also known as c.2869C>G), located in coding exon 17 of the PTCH1 gene, results from a C to G substitution at nucleotide position 2869. The proline at codon 957 is replaced by alanine, an amino acid with highly similar properties. This amino acid position is conserved. In addition, the in silico prediction for this alteration is inconclusive. Based on the available evidence, the clinical significance of this variant remains unclear.

Labcorp Genetics (formerly Invitae), Labcorp
Classification: Uncertain significance for Gorlin syndrome. Last evaluated: 2024-06-28. Review status: criteria provided, single submitter. Criteria: Invitae Variant Classification Sherloc (09022015). Collection method: clinical testing. Allele origin: germline.
Comment: This sequence change replaces proline, which is neutral and non-polar, with alanine, which is neutral and non-polar, at codon 957 of the PTCH1 protein (p.Pro957Ala). This variant is not present in population databases (gnomAD no frequency). This variant has not been reported in the literature in individuals affected with PTCH1-related conditions. ClinVar contains an entry for this variant (Variation ID: 1428147). Advanced modeling of protein sequence and biophysical properties (such as structural, functional, and spatial information, amino acid conservation, physicochemical variation, residue mobility, and thermodynamic stability) performed at Invitae indicates that this missense variant is not expected to disrupt PTCH1 protein function with a negative predictive value of 95%. In summary, the available evidence is currently insufficient to determine the role of this variant in disease. Therefore, it has been classified as a Variant of Uncertain Significance.